The following is an entry in ClinVar:

ClinVar aggregate classification (germline): Conflicting classifications of pathogenicity. Review status: criteria provided, conflicting classifications (1 of 4 stars). 3 submissions from 3 submitters: Uncertain significance (1); Likely benign (2). Last evaluated 2025-08-08.

Conditions:
Branchiootorenal syndrome 2 (BOR2). Identifiers: Orphanet 107, MedGen C1970479, MONDO:0012575, OMIM 610896.

Allele frequency attached by ClinVar (database versions not stated): 1000 Genomes Project 30x 0.00031; ESP Exome Variant Server 0.00015; 1000 Genomes Project 0.00040.
gnomAD v4.1: 67 of 1,612,292 alleles (0.0042%); highest among the groups gnomAD compares: African/African-American, 0.079%; no homozygotes.

Submissions (3):

Ambry Genetics
Classification: Likely benign. Last evaluated: 2025-08-08. Review status: criteria provided, single submitter. Criteria: Ambry Variant Classification Scheme 2023. Collection method: clinical testing. Allele origin: germline.

Fulgent Genetics
Classification: Likely benign for Branchiootorenal syndrome 2. Last evaluated: 2024-06-12. Review status: criteria provided, single submitter. Criteria: ACMG Guidelines, 2015. Collection method: clinical testing. Allele origin: germline.

Labcorp Genetics (formerly Invitae), Labcorp
Classification: Uncertain significance. Last evaluated: 2024-04-10. Review status: criteria provided, single submitter. Criteria: Invitae Variant Classification Sherloc (09022015). Collection method: clinical testing. Allele origin: germline.
Comment: This sequence change replaces aspartic acid, which is acidic and polar, with glutamic acid, which is acidic and polar, at codon 278 of the SIX5 protein (p.Asp278Glu). This variant is present in population databases (rs376711015, gnomAD 0.09%), and has an allele count higher than expected for a pathogenic variant. This variant has not been reported in the literature in individuals affected with SIX5-related conditions. ClinVar contains an entry for this variant (Variation ID: 2064471). Advanced modeling of protein sequence and biophysical properties (such as structural, functional, and spatial information, amino acid conservation, physicochemical variation, residue mobility, and thermodynamic stability) performed at Invitae indicates that this missense variant is expected to disrupt SIX5 protein function with a positive predictive value of 80%. In summary, the available evidence is currently insufficient to determine the role of this variant in disease. Therefore, it has been classified as a Variant of Uncertain Significance.

NM_175875.5(SIX5):c.834C>A (p.Asp278Glu)

Genes: SIX5 (SIX homeobox 5; minus strand), LOC107075317 (origin of replication in DMPK trinucleotide repeat region; plus strand). Cytogenetic location: 19q13.32.
Variant type: single nucleotide variant.
Coding change: c.834C>A on transcript NM_175875.5 (MANE Select); coding-DNA position 834, C replaced by A.
Protein change: p.Asp278Glu; replaces aspartic acid 278 with glutamic acid.
Molecular consequence: missense variant.
Genome position (GRCh38, 1-based): chr19:45,767,125, G>T on the plus strand (C>A on the coding strand, the complement: SIX5 is on the minus strand). VCF-style: chr19-45767125-G-T. GRCh37 (hg19) VCF-style: chr19-46270383-G-T.
Other names: c.834C>A (NM_175875.4); short protein forms D278E.
Identifiers: ClinVar variation 2064471 (VCV002064471.6), dbSNP rs376711015, ClinGen allele CA9520743.
Genomic context (GRCh38, chr19:45,767,125, plus strand): 5'-GGCCTCGGCGGACACTGGGGCCGCCCCTCTCTCCAGGTCCTCAGGACTTCGGCTGGACTC[G>T]TCCTCAGTCGTGGGATTCCCATCAGACTCGCTGGCCGGAGAAATGGCTGTCAGCTGGGGT-3'
Protein context (NP_787071.3, residues 268-288): SESDGNPTTE[Asp278Glu]ESSRSPEDLE